The following is an entry in ClinVar:

NM_001369.3(DNAH5):c.4924G>A (p.Gly1642Arg)

Genes: DNAH5 (dynein axonemal heavy chain 5; minus strand), LOC126807318 (MED14-independent group 3 enhancer GRCh37_chr5:13858976-13860175; plus strand). Cytogenetic location: 5p15.2.
Variant type: single nucleotide variant.
Coding change: c.4924G>A on transcript NM_001369.3 (MANE Select); coding-DNA position 4924, G replaced by A.
Protein change: p.Gly1642Arg; replaces glycine 1642 with arginine.
Molecular consequence: missense variant.
Genome position (GRCh38, 1-based): chr5:13,859,478, C>T on the plus strand (G>A on the coding strand, the complement: DNAH5 is on the minus strand). VCF-style: chr5-13859478-C-T. GRCh37 (hg19) VCF-style: chr5-13859587-C-T.
Other names: short protein forms G1642R.
Identifiers: ClinVar variation 1331709 (VCV001331709.12), dbSNP rs150050027, ClinGen allele CA3203846.

ClinVar aggregate classification (germline): Conflicting classifications of pathogenicity. Review status: criteria provided, conflicting classifications (1 of 4 stars). 6 submissions from 6 submitters: Uncertain significance (4); Benign (1); Likely benign (1). Last evaluated 2025-09-10.

Conditions:
Primary ciliary dyskinesia. Also called: Ciliary dyskinesia. Identifiers: Orphanet 244, MedGen C0008780, MONDO:0016575, HP:0012265.
Primary ciliary dyskinesia 3. Identifiers: Orphanet 244, MedGen C1837618, MONDO:0012085, OMIM 608644.

Allele frequency attached by ClinVar (database versions not stated): gnomAD exomes 0.00010; ExAC 0.00011; TOPMed 0.00026; gnomAD 0.00033 and 0.00036; ESP Exome Variant Server 0.00038; 1000 Genomes Project 0.00040; 1000 Genomes Project 30x 0.00062.
gnomAD v4.1: 80 of 1,614,026 alleles (0.005%); highest among the groups gnomAD compares: African/African-American, 0.11%; no homozygotes.

Submissions (6):

Genomic Medicine Center of Excellence, King Faisal Specialist Hospital and Research Centre
Classification: Uncertain significance for Primary ciliary dyskinesia 3. Last evaluated: 2025-09-10. Review status: criteria provided, single submitter. Criteria: ACMG Guidelines, 2015. Collection method: clinical testing. Allele origin: germline.

Labcorp Genetics (formerly Invitae), Labcorp
Classification: Benign for Primary ciliary dyskinesia. Last evaluated: 2024-11-17. Review status: criteria provided, single submitter. Criteria: Invitae Variant Classification Sherloc (09022015). Collection method: clinical testing. Allele origin: germline.

Greenwood Genetic Center Diagnostic Laboratories, Greenwood Genetic Center
Classification: Uncertain significance. Last evaluated: 2022-01-06. Review status: criteria provided, single submitter. Criteria: ACMG Guidelines, 2015. Collection method: clinical testing. Allele origin: germline. Affected: yes.
Comment: PP3

Johns Hopkins Genomics, Johns Hopkins University
Classification: Uncertain significance for Primary ciliary dyskinesia 3. Last evaluated: 2021-12-17. Review status: criteria provided, single submitter. Criteria: ACMG Guidelines, 2015. Collection method: clinical testing. Allele origin: germline.
Comment: This DNAH5 variant (rs150050027) has been identified in a large population dataset and the minor allele frequency is neither low enough to consider the variant rare (<0.1%) nor high enough to consider it a population polymorphism (>1%) within the African/African American subpopulation (gnomAD: 36/24968 alleles; 0.1442%, no homozygotes). It has has not been reported in ClinVar nor the literature, to our knowledge. Three bioinformatic tools queried predict that this substitution would be damaging and the glycine residue at this position is evolutionarily conserved across all species assessed except American alligator. We consider the clinical significance of DNAH5 c.4924G>A to be uncertain at this time.

Ambry Genetics
Classification: Likely benign for Primary ciliary dyskinesia. Last evaluated: 2021-10-29. Review status: criteria provided, single submitter. Criteria: Ambry Variant Classification Scheme 2023. Collection method: clinical testing. Allele origin: germline.

Breakthrough Genomics
Classification: Uncertain significance. Review status: criteria provided, single submitter. Criteria: ACMG Guidelines, 2015. Collection method: not provided. Allele origin: germline. Inheritance: Autosomal recessive inheritance. Affected: yes.